The following is an entry in ClinVar:

ClinVar aggregate classification (germline): Benign. Review status: criteria provided, multiple submitters, no conflicts (2 of 4 stars). 2 submissions from 2 submitters: Benign (2). Last evaluated 2018-06-19.

Allele frequency attached by ClinVar (database versions not stated): 1000 Genomes Project 30x 0.03826; 1000 Genomes Project 0.03874; TOPMed 0.04993; gnomAD 0.05337 and 0.05342; gnomAD exomes 0.07228.
gnomAD v4.1: 87,024 of 1,244,492 alleles (7%); highest among the groups gnomAD compares: Non-Finnish European, 7.7%; 3,420 homozygotes.

Submissions (2):

GeneDx
Classification: Benign. Last evaluated: 2018-06-19. Review status: criteria provided, single submitter. Criteria: GeneDx Variant Classification (06012015). Collection method: clinical testing. Allele origin: germline. Affected: yes.
Comment: This variant is considered likely benign or benign based on one or more of the following criteria: it is a conservative change, it occurs at a poorly conserved position in the protein, it is predicted to be benign by multiple in silico algorithms, and/or has population frequency not consistent with disease.

Breakthrough Genomics
Classification: Benign. Review status: criteria provided, single submitter. Criteria: ACMG Guidelines, 2015. Collection method: not provided. Allele origin: germline. Inheritance: Autosomal recessive inheritance. Affected: yes.

NM_018060.4(IARS2):c.1744-57T>C

Gene: IARS2 (isoleucyl-tRNA synthetase 2, mitochondrial; plus strand). Cytogenetic location: 1q41.
Variant type: single nucleotide variant.
Coding change: c.1744-57T>C on transcript NM_018060.4 (MANE Select); 57 bases into the intron before coding-DNA position 1744, T replaced by C.
Molecular consequence: intron variant.
Genome position (GRCh38, 1-based): chr1:220,126,693, T>C. VCF-style: chr1-220126693-T-C. GRCh37 (hg19) VCF-style: chr1-220300035-T-C.
Identifiers: ClinVar variation 676218 (VCV000676218.2), dbSNP rs2289191, ClinGen allele CA37557752.
Genomic context (GRCh38, chr1:220,126,693, plus strand): 5'-TCTAAAAATGTGAACTTCATGGTTGCATTTCATTTTCTGAAGACTTTTGGGGTACAGTAT[T>C]TGTTGTCTATATTGTGATCTTTGTGTACCTGACATGCTTTTGCATTATCTTACTAGGTTG-3'